The following continues an entry in ClinVar:

NM_000113.3(TOR1A):c.904GAG[1] (p.Glu303del)

Gene: TOR1A. ClinVar aggregate classification (germline): Pathogenic/Likely pathogenic. Pathogenic (24); Likely pathogenic (1).

Submissions 25 to 32 of 32:

Rady Children's Institute for Genomic Medicine, Rady Children's Hospital San Diego
Classification: Pathogenic for TOR1A-related disorders. Review status: criteria provided, single submitter. Criteria: ACMG Guidelines, 2015. Collection method: clinical testing. Allele origin: germline. Affected: yes.
Comment: The c.907_909del variant leads to the deletion of one amino acid residue in the TOR1A protein (p.Glu303del) but preserves the reading frame. The c.907_909delGAG variant is the most common pathogenic variant associated with TOR1A-related primary dystonia (PMID: 9288096). It has been previously reported both as an inherited heterozygous variant in familial cases and a de novo heterozygous variant in several individuals with early-onset dystonia (PMID: 22976004, 22226333, 25403864, 22770546, 9288096, 9874484, 11973627, 12481989, 24930953, 24931141). It has also been reported in the homozygous state or as a compound heterozygote with another TOR1A variant in several individuals with arthrogryposis (PMID: 28516161, 29053766 ). Functional studies indicate that this variant causes misfolding of the protein and results in its abnormal cellular localization and aggregation (PMID: 8940237, 24930953, 19651773, 24951854, 19339278). It is present in the heterozygous state in the gnomAD population database at a frequency of 0.01% (30/282878) and thus is presumed to be rare. Based on the available evidence, the c.907_909del (p.Glu303del) variant is classified as Pathogenic.

Clinical Genetics Laboratory, University Hospital Schleswig-Holstein
Classification: Pathogenic for Early-onset generalized limb-onset dystonia. Last evaluated: 2023-11-27. Review status: no assertion criteria provided. Collection method: clinical testing. Allele origin: germline. Affected: yes. Not counted in ClinVar's aggregate classification.

Clinical Molecular Genetics Laboratory, Johns Hopkins All Children's Hospital
Classification: Pathogenic for Dystonic disorder. Last evaluated: 2017-01-26. Review status: no assertion criteria provided. Collection method: clinical testing. Allele origin: germline. Affected: yes. Not counted in ClinVar's aggregate classification.

OMIM
Classification: Pathogenic for DYSTONIA 1, TORSION, AUTOSOMAL DOMINANT. Last evaluated: 2014-09-01. Review status: no assertion criteria provided. Collection method: literature only. Allele origin: germline. Not counted in ClinVar's aggregate classification.

OMIM
Classification: Pathogenic for ARTHROGRYPOSIS MULTIPLEX CONGENITA 5. Last evaluated: 2014-09-01. Review status: no assertion criteria provided. Collection method: literature only. Allele origin: germline. Not counted in ClinVar's aggregate classification.

Diagnostic Laboratory, Department of Genetics, University Medical Center Groningen
Classification: Pathogenic. Review status: no assertion criteria provided. Collection method: clinical testing. Allele origin: germline. Affected: yes. Study: VKGL Data-share Consensus. Not counted in ClinVar's aggregate classification.

GeneReviews
No classification provided. Condition: Early-onset generalized limb-onset dystonia. Review status: no classification provided. Collection method: literature only. Allele origin: germline. Affected: yes. Not counted in ClinVar's aggregate classification.
Comment: Sometimes referred to as 904_906delGAG.

Joint Genome Diagnostic Labs from Nijmegen and Maastricht, Radboudumc and MUMC+
Classification: Pathogenic. Review status: no assertion criteria provided. Collection method: clinical testing. Allele origin: germline. Affected: yes. Study: VKGL Data-share Consensus. Not counted in ClinVar's aggregate classification.

Literature cited by the submitters: PubMed 9288096 (cited by 5 submitters); PubMed 12975293 (cited by Ambry Genetics and OMIM); PubMed 16275837 (cited by Ambry Genetics and OMIM); PubMed 20301665 (cited by Ambry Genetics and Labcorp Genetics (formerly Invitae), Labcorp); PubMed 23569223 (cited by Ambry Genetics); PubMed 27490483 (cited by Ambry Genetics); PubMed 28516161 (cited by Ambry Genetics and OMIM); PubMed 29053766 (cited by Ambry Genetics and OMIM); PubMed 9874484 (cited by Labcorp Genetics (formerly Invitae), Labcorp); PubMed 11973627 (cited by 3 submitters); PubMed 12481989 (cited by Labcorp Genetics (formerly Invitae), Labcorp and OMIM); PubMed 24930953 (cited by 4 submitters); PubMed 24931141 (cited by Labcorp Genetics (formerly Invitae), Labcorp); PubMed 18940237 (cited by Labcorp Genetics (formerly Invitae), Labcorp); PubMed 19339278 (cited by Labcorp Genetics (formerly Invitae), Labcorp); PubMed 19651773 (cited by Labcorp Genetics (formerly Invitae), Labcorp); PubMed 9618171 (cited by 3billion); PubMed 14711988 (cited by OMIM); PubMed 15136718 (cited by OMIM); PubMed 10541594 (cited by OMIM); PubMed 10435508 (cited by OMIM and GeneReviews); PubMed 16682692 (cited by OMIM); PubMed 10814722 (cited by OMIM); PubMed 15505207 (cited by OMIM); PubMed 20584926 (cited by OMIM); PubMed 9576529 (cited by GeneReviews); PubMed 25403864 (cited by GeneReviews); PubMed 10627938 (cited by GeneReviews); PubMed 21168499 (cited by GeneReviews); NCBI Bookshelf NBK1492 (cited by GeneReviews).